The following is an entry in ClinVar:

NM_001253697.2(ERBIN):c.597+4A>G

Gene: ERBIN (erbb2 interacting protein; plus strand). Cytogenetic location: 5q12.3.
Variant type: single nucleotide variant.
Coding change: c.597+4A>G on transcript NM_001253697.2 (MANE Select); 4 bases into the intron after coding-DNA position 597, A replaced by G.
Molecular consequence: intron variant.
Genome position (GRCh38, 1-based): chr5:66,021,389, A>G. VCF-style: chr5-66021389-A-G. GRCh37 (hg19) VCF-style: chr5-65317217-A-G.
Other names: c.597+4A>G (NM_001253699.2, NM_018695.4, NM_001253698.2 and 2 more transcripts).
Identifiers: ClinVar variation 4731506 (VCV004731506.1).

ClinVar aggregate classification (germline): Uncertain significance (1 of 4 stars; one submission).

Submission:

Labcorp Genetics (formerly Invitae), Labcorp
Classification: Uncertain significance. Last evaluated: 2025-11-24. Review status: criteria provided, single submitter. Criteria: Invitae Variant Classification Sherloc (09022015). Collection method: clinical testing. Allele origin: germline.
Comment: This sequence change falls in intron 8 of the ERBIN gene. It does not directly change the encoded amino acid sequence of the ERBIN protein. It affects a nucleotide within the consensus splice site. This variant is not present in population databases (gnomAD no frequency). This variant has not been reported in the literature in individuals affected with ERBIN-related conditions. Variants that disrupt the consensus splice site are a relatively common cause of aberrant splicing (PMID: 17576681, 9536098). Algorithms developed to predict the effect of sequence changes on RNA splicing suggest that this variant is not likely to affect RNA splicing. In summary, the available evidence is currently insufficient to determine the role of this variant in disease. Therefore, it has been classified as a Variant of Uncertain Significance.

Literature cited by the submitters: PubMed 17576681; PubMed 9536098.